The following is an entry in ClinVar:

NM_031935.3(HMCN1):c.5706C>T (p.Asn1902=)

Gene: HMCN1 (hemicentin 1; plus strand). Cytogenetic location: 1q31.1.
Variant type: single nucleotide variant.
Coding change: c.5706C>T on transcript NM_031935.3 (MANE Select); coding-DNA position 5706, C replaced by T.
Protein change: p.Asn1902=; no amino-acid change (asparagine 1902 retained).
Molecular consequence: synonymous variant.
Genome position (GRCh38, 1-based): chr1:186,023,110, C>T. VCF-style: chr1-186023110-C-T. GRCh37 (hg19) VCF-style: chr1-185992242-C-T.
Identifiers: ClinVar variation 294162 (VCV000294162.11), dbSNP rs769758485, ClinGen allele CA1292340.

ClinVar aggregate classification (germline): Conflicting classifications of pathogenicity. Review status: criteria provided, conflicting classifications (1 of 4 stars). 3 submissions from 3 submitters: Uncertain significance (1); Likely benign (1). 1 of the submissions does not count toward it. Last evaluated 2025-02-04.

Conditions:
HMCN1-related disorder. Also called: HMCN1-related condition.
Age related macular degeneration 1 (ARMD1). Also called: MACULOPATHY, AGE-RELATED, 1. Identifiers: MedGen C1864205, MONDO:0011285, OMIM 603075.

Allele frequency attached by ClinVar (database versions not stated): gnomAD 0.00001 and 0.00004; TOPMed 0.00002; gnomAD exomes 0.00006 and 0.00010; ExAC 0.00007.
gnomAD v4.1: 154 of 1,613,088 alleles (0.0095%); highest among the groups gnomAD compares: East Asian, 0.26%; 1 homozygote.

Submissions (3):

Labcorp Genetics (formerly Invitae), Labcorp
Classification: Likely benign. Last evaluated: 2025-02-04. Review status: criteria provided, single submitter. Criteria: Invitae Variant Classification Sherloc (09022015). Collection method: clinical testing. Allele origin: germline.

Illumina Laboratory Services, Illumina
Classification: Uncertain significance for Age related macular degeneration 1. Last evaluated: 2018-01-12. Review status: criteria provided, single submitter. Criteria: ICSL Variant Classification Criteria 13 December 2019. Collection method: clinical testing. Allele origin: germline.

PreventionGenetics, part of Exact Sciences
Classification: Likely benign for HMCN1-related condition. Last evaluated: 2019-11-20. Review status: no assertion criteria provided. Collection method: clinical testing. Allele origin: germline. Not counted in ClinVar's aggregate classification.
Comment: This variant is classified as likely benign based on ACMG/AMP sequence variant interpretation guidelines (Richards et al. 2015 PMID: 25741868, with internal and published modifications).